The following is an entry in ClinVar:

ClinVar aggregate classification (germline): Likely pathogenic (1 of 4 stars; one submission).

Conditions:
POLR2A-related disorder. Also called: POLR2A-related condition.

Submission:

PreventionGenetics, part of Exact Sciences
Classification: Likely pathogenic for POLR2A-related condition. Last evaluated: 2025-03-07. Review status: criteria provided, single submitter. Criteria: ACMG Guidelines, 2015. Collection method: clinical testing. Allele origin: germline.
Comment: The POLR2A c.1624C>G variant is predicted to result in the amino acid substitution p.Leu542Val. To our knowledge, this variant has not been reported in the literature or in a large population database (gnomAD), indicating this variant is rare. This variant is interpreted as likely pathogenic.

NM_000937.5(POLR2A):c.1624C>G (p.Leu542Val)

Gene: POLR2A (RNA polymerase II subunit A; plus strand). Cytogenetic location: 17p13.1.
Variant type: single nucleotide variant.
Coding change: c.1624C>G on transcript NM_000937.5 (MANE Select); coding-DNA position 1624, C replaced by G.
Protein change: p.Leu542Val; replaces leucine 542 with valine.
Molecular consequence: missense variant.
Genome position (GRCh38, 1-based): chr17:7,499,444, C>G. VCF-style: chr17-7499444-C-G. GRCh37 (hg19) VCF-style: chr17-7402763-C-G.
Other names: short protein forms L542V.
Identifiers: ClinVar variation 4999946 (VCV004999946.1).